The following is an entry in ClinVar:

NM_004104.5(FASN):c.3665C>G (p.Pro1222Arg)

Gene: FASN (fatty acid synthase; minus strand). Cytogenetic location: 17q25.3.
Variant type: single nucleotide variant.
Coding change: c.3665C>G on transcript NM_004104.5 (MANE Select); coding-DNA position 3665, C replaced by G.
Protein change: p.Pro1222Arg; replaces proline 1222 with arginine.
Molecular consequence: missense variant.
Genome position (GRCh38, 1-based): chr17:82,086,321, G>C on the plus strand (C>G on the coding strand, the complement: FASN is on the minus strand). VCF-style: chr17-82086321-G-C. GRCh37 (hg19) VCF-style: chr17-80044197-G-C.
Other names: short protein forms P1222R.
Identifiers: ClinVar variation 659020 (VCV000659020.8), dbSNP rs779872658, ClinGen allele CA8852312.

ClinVar aggregate classification (germline): Uncertain significance (1 of 4 stars; one submission).

Conditions:
Epileptic encephalopathy. Identifiers: MedGen C0543888, HP:0200134.

Allele frequency attached by ClinVar (database versions not stated): TOPMed 0.00002.
gnomAD v4.1: 7 of 1,602,806 alleles (0.00044%); highest among the groups gnomAD compares: African/African-American, 0.0093%; no homozygotes.

Submission:

Labcorp Genetics (formerly Invitae), Labcorp
Classification: Uncertain significance for Epileptic encephalopathy. Last evaluated: 2022-08-31. Review status: criteria provided, single submitter. Criteria: Invitae Variant Classification Sherloc (09022015). Collection method: clinical testing. Allele origin: germline.
Comment: This sequence change replaces proline, which is neutral and non-polar, with arginine, which is basic and polar, at codon 1222 of the FASN protein (p.Pro1222Arg). The frequency data for this variant in the population databases is considered unreliable, as metrics indicate poor data quality at this position in the gnomAD database. This variant has not been reported in the literature in individuals affected with FASN-related conditions. ClinVar contains an entry for this variant (Variation ID: 659020). Algorithms developed to predict the effect of missense changes on protein structure and function (SIFT, PolyPhen-2, Align-GVGD) all suggest that this variant is likely to be tolerated. In summary, the available evidence is currently insufficient to determine the role of this variant in disease. Therefore, it has been classified as a Variant of Uncertain Significance.